The following is an entry in ClinVar:

ClinVar aggregate classification (germline): Conflicting classifications of pathogenicity. Review status: criteria provided, conflicting classifications (1 of 4 stars). 5 submissions from 5 submitters: Uncertain significance (1); Likely benign (4). Last evaluated 2026-04-01.

Conditions:
Autosomal recessive congenital ichthyosis 6 (ARCI6). Identifiers: Orphanet 313, Orphanet 79394, MedGen C2677065, MONDO:0012847, OMIM 612281.

Allele frequency attached by ClinVar (database versions not stated): gnomAD 0.00019 and 0.00031; TOPMed 0.00019; 1000 Genomes Project 30x 0.00031; 1000 Genomes Project 0.00040; gnomAD exomes 0.00072; ExAC 0.00149.
gnomAD v4.1: 770 of 1,600,132 alleles (0.048%); highest among the groups gnomAD compares: Middle Eastern, 0.53%; 3 homozygotes.

Submissions (5):

CeGaT Center for Human Genetics Tuebingen
Classification: Likely benign. Last evaluated: 2026-04-01. Review status: criteria provided, single submitter. Criteria: CeGaT Center For Human Genetics Tuebingen Variant Classification Criteria Version 2. Collection method: clinical testing. Allele origin: germline. Affected: yes. Observed: 1 variant allele.
Comment: NIPAL4: BS2

Labcorp Genetics (formerly Invitae), Labcorp
Classification: Likely benign. Last evaluated: 2026-01-25. Review status: criteria provided, single submitter. Criteria: Invitae Variant Classification Sherloc (09022015). Collection method: clinical testing. Allele origin: germline.

Blueprint Genetics
Classification: Uncertain significance. Last evaluated: 2024-10-23. Review status: criteria provided, single submitter. Criteria: ACMG Guidelines, 2015. Collection method: clinical testing. Allele origin: germline.

Illumina Laboratory Services, Illumina
Classification: Likely benign for Autosomal recessive congenital ichthyosis 6. Last evaluated: 2018-01-12. Review status: criteria provided, single submitter. Criteria: ICSL Variant Classification Criteria 13 December 2019. Collection method: clinical testing. Allele origin: germline.
Comment: This variant was observed in the ICSL laboratory as part of a predisposition screen in an ostensibly healthy population. It had not been previously curated by ICSL or reported in the Human Gene Mutation Database (HGMD: prior to June 1st, 2018), and was therefore a candidate for classification through an automated scoring system. Utilizing variant allele frequency, disease prevalence and penetrance estimates, and inheritance mode, an automated score was calculated to assess if this variant is too frequent to cause the disease. Based on the score and internal cut-off values, a variant classified as likely benign is not then subjected to further curation. The score for this variant resulted in a classification of likely benign for this disease.

Breakthrough Genomics
Classification: Likely benign. Review status: criteria provided, single submitter. Criteria: ACMG Guidelines, 2015. Collection method: not provided. Allele origin: germline. Inheritance: Autosomal recessive inheritance. Affected: yes.

NM_001099287.2(NIPAL4):c.544G>T (p.Val182Phe)

Gene: NIPAL4 (NIPA like domain containing 4; plus strand). Cytogenetic location: 5q33.3.
Variant type: single nucleotide variant.
Coding change: c.544G>T on transcript NM_001099287.2 (MANE Select); coding-DNA position 544, G replaced by T.
Protein change: p.Val182Phe; replaces valine 182 with phenylalanine.
Molecular consequence: missense variant.
Genome position (GRCh38, 1-based): chr5:157,471,775, G>T. VCF-style: chr5-157471775-G-T. GRCh37 (hg19) VCF-style: chr5-156898783-G-T.
Other names: c.487G>T, p.Val163Phe (NM_001172292.2); short protein forms V244F, V225F, V182F, V163F.
Identifiers: ClinVar variation 352515 (VCV000352515.12), dbSNP rs540992129, ClinGen allele CA3534670.